The following is an entry in ClinVar:

NM_000059.4(BRCA2):c.2175A>C (p.Lys725Asn)

Gene: BRCA2 (BRCA2 DNA repair associated; plus strand). Cytogenetic location: 13q13.1.
Variant type: single nucleotide variant.
Coding change: c.2175A>C on transcript NM_000059.4 (MANE Select); coding-DNA position 2175, A replaced by C.
Protein change: p.Lys725Asn; replaces lysine 725 with asparagine.
Molecular consequence: missense variant. On other transcripts: non-coding transcript variant (1), intron variant (2).
Genome position (GRCh38, 1-based): chr13:32,336,530, A>C. VCF-style: chr13-32336530-A-C. GRCh37 (hg19) VCF-style: chr13-32910667-A-C.
Other names: c.2175A>C, p.Lys725Asn (NM_001406720.1, NM_001406719.1); c.1909+3143A>C (NM_001406721.1); c.424+5500A>C (NM_001406722.1); short protein forms K725N.
Identifiers: ClinVar variation 2755552 (VCV002755552.4), dbSNP rs80358491, ClinGen allele CA387770327.
Genomic context (GRCh38, chr13:32,336,530, plus strand): 5'-AGCTGATTCTCTGTCATGCCTGCAGGAAGGACAGTGTGAAAATGATCCAAAAAGCAAAAA[A>C]GTTTCAGATATAAAAGAAGAGGTCTTGGCTGCAGCATGTCACCCAGTACAACATTCAAAA-3'
Protein context (NP_000050.3, residues 715-735): GQCENDPKSK[Lys725Asn]VSDIKEEVLA

ClinVar aggregate classification (germline): Uncertain significance. Review status: criteria provided, multiple submitters, no conflicts (2 of 4 stars). 2 submissions from 2 submitters: Uncertain significance (2). Last evaluated 2024-07-24.

Conditions:
Hereditary cancer-predisposing syndrome. Also called: Neoplastic Syndromes, Hereditary; Hereditary Cancer Syndrome; Tumor predisposition; Hereditary neoplastic syndrome. Identifiers: Orphanet 140162, MedGen C0027672, MeSH D009386, MONDO:0015356.
Hereditary breast ovarian cancer syndrome. Also called: Hereditary breast and ovarian cancer; Hereditary breast and ovarian cancer syndrome; Breast and ovarian cancer; BRCA1- and BRCA2-Associated Hereditary Breast and Ovarian Cancer; Hereditary breast and ovarian cancer syndrome (HBOC); Hereditary breast and/or ovarian cancer syndrome. Identifiers: Orphanet 145, MedGen C0677776, MeSH D061325, MONDO:0003582. Disease mechanism: loss of function.

Submissions (2):

Ambry Genetics
Classification: Uncertain significance for Hereditary cancer-predisposing syndrome. Last evaluated: 2024-07-24. Review status: criteria provided, single submitter. Criteria: Ambry Variant Classification Scheme 2023. Collection method: clinical testing. Allele origin: germline.
Comment: The p.K725N variant (also known as c.2175A>C), located in coding exon 10 of the BRCA2 gene, results from an A to C substitution at nucleotide position 2175. The lysine at codon 725 is replaced by asparagine, an amino acid with similar properties. This amino acid position is conserved. In addition, this alteration is predicted to be tolerated by in silico analysis. Based on the available evidence, the clinical significance of this variant remains unclear.

Labcorp Genetics (formerly Invitae), Labcorp
Classification: Uncertain significance for Hereditary breast ovarian cancer syndrome. Last evaluated: 2024-01-14. Review status: criteria provided, single submitter. Criteria: Invitae Variant Classification Sherloc (09022015). Collection method: clinical testing. Allele origin: germline.
Comment: This sequence change replaces lysine, which is basic and polar, with asparagine, which is neutral and polar, at codon 725 of the BRCA2 protein (p.Lys725Asn). This variant is not present in population databases (gnomAD no frequency). This variant has not been reported in the literature in individuals affected with BRCA2-related conditions. Advanced modeling of protein sequence and biophysical properties (such as structural, functional, and spatial information, amino acid conservation, physicochemical variation, residue mobility, and thermodynamic stability) performed at Invitae indicates that this missense variant is not expected to disrupt BRCA2 protein function with a negative predictive value of 95%. In summary, the available evidence is currently insufficient to determine the role of this variant in disease. Therefore, it has been classified as a Variant of Uncertain Significance.